The following is an entry in ClinVar:

ClinVar aggregate classification (germline): Pathogenic (1 of 4 stars; one submission).

Conditions:
Developmental and epileptic encephalopathy, 2 (DEE2). Also called: CDKL5 deficiency disorder; INFANTILE SPASM SYNDROME, X-LINKED 2. Identifiers: Orphanet 1934, Orphanet 3451, Orphanet 505652, MedGen C4750718, MONDO:0010396, OMIM 300672.

Submission:

Institute of Human Genetics, University of Leipzig Medical Center
Classification: Pathogenic for Developmental and epileptic encephalopathy, 2. Last evaluated: 2025-07-30. Review status: criteria provided, single submitter. Criteria: ACMG Guidelines, 2015. Collection method: clinical testing. Allele origin: unknown. Inheritance: X-linked dominant inheritance. Affected: yes.
Comment: Criteria applied: PVS1,PM2

NM_001323289.2(CDKL5):c.1245dup (p.Glu416fs)

Gene: CDKL5 (cyclin dependent kinase like 5; plus strand). Cytogenetic location: Xp22.13.
Variant type: Duplication.
Coding change: c.1245dup on transcript NM_001323289.2 (MANE Select); coding-DNA position 1245, one base duplicated (A; older notation c.1245dupA).
Protein change: p.Glu416fs; shifts the reading frame from glutamic acid 416.
Molecular consequence: frameshift variant.
Genome position (GRCh38, 1-based): chrX:18,604,169, A duplicated. VCF-style (leftmost placement, unchanged base first): chrX-18604168-C-CA. GRCh37 (hg19) VCF-style: chrX-18622288-C-CA.
Other names: c.1245dup, p.Glu416fs (NM_001037343.2, NM_003159.3); short protein forms E416fs.
Identifiers: ClinVar variation 4082351 (VCV004082351.1).